The following is an entry in ClinVar:

NM_000312.4(PROC):c.1154T>C (p.Met385Thr)

Gene: PROC (protein C, inactivator of coagulation factors Va and VIIIa; plus strand). Cytogenetic location: 2q14.3.
Variant type: single nucleotide variant.
Coding change: c.1154T>C on transcript NM_000312.4 (MANE Select); coding-DNA position 1154, T replaced by C.
Protein change: p.Met385Thr; replaces methionine 385 with threonine.
Molecular consequence: missense variant.
Genome position (GRCh38, 1-based): chr2:127,428,714, T>C. VCF-style: chr2-127428714-T-C. GRCh37 (hg19) VCF-style: chr2-128186290-T-C.
Other names: c.1154T>C (NM_000312.3); c.1337T>C, p.Met446Thr (NM_001375602.1); c.1319T>C, p.Met440Thr (NM_001375603.1); c.1217T>C, p.Met406Thr (NM_001375604.1); c.1256T>C, p.Met419Thr (NM_001375605.1); c.1322T>C, p.Met441Thr (NM_001375606.1); c.1340T>C, p.Met447Thr (NM_001375607.1); c.1097T>C, p.Met366Thr (NM_001375608.1); and 3 more; short protein forms M366T, M377T, M383T, M385T, M406T, M419T, M440T, M441T.
Identifiers: ClinVar variation 1330282 (VCV001330282.2), dbSNP rs1688692269, ClinGen allele CA348406040.

ClinVar aggregate classification (germline): Conflicting classifications of pathogenicity. Review status: criteria provided, conflicting classifications (1 of 4 stars). 2 submissions from 2 submitters: Likely pathogenic (1); Uncertain significance (1). Last evaluated 2023-01-25.

Conditions:
Thrombophilia due to protein C deficiency, autosomal dominant. Also called: PROC DEFICIENCY, AUTOSOMAL DOMINANT; PROTEIN C DEFICIENCY, AUTOSOMAL DOMINANT. Identifiers: Orphanet 745, MedGen C2674321, MONDO:0008316, OMIM 176860. Disease mechanism: loss of function.

Allele frequency attached by ClinVar (database versions not stated): gnomAD exomes below 0.00001; TOPMed below 0.00001.

Submissions (2):

GeneDx
Classification: Uncertain significance. Last evaluated: 2023-01-25. Review status: criteria provided, single submitter. Criteria: GeneDx Variant Classification Process June 2021. Collection method: clinical testing. Allele origin: germline. Affected: yes.
Comment: Reported in the heterozygous state in individuals with protein C deficiency (Alhenc-Gelas et al., 2020); Not observed at significant frequency in large population cohorts (gnomAD); In silico analysis supports that this missense variant has a deleterious effect on protein structure/function; This variant is associated with the following publications: (PMID: 32717757)

MVZ Martinsried, Medicover Genetics
Classification: Likely pathogenic for Thrombophilia due to protein C deficiency, autosomal dominant. Last evaluated: 2021-08-04. Review status: criteria provided, single submitter. Criteria: ACGS Guidelines, 2020. Collection method: clinical testing. Allele origin: unknown. Affected: yes.